The following is an entry in ClinVar:

ClinVar aggregate classification (germline): Uncertain significance (1 of 4 stars; one submission).

Conditions:
Nijmegen breakage syndrome-like disorder (NBSLD). Also called: MICROCEPHALY AND SPONTANEOUS CHROMOSOME INSTABILITY WITHOUT IMMUNODEFICIENCY; NBS-LIKE DISORDER; RAD50 DEFICIENCY. Identifiers: Orphanet 240760, MedGen C2751318, MONDO:0013118, OMIM 613078.

Submission:

Sema4
Classification: Uncertain significance for Nijmegen breakage syndrome-like disorder. Last evaluated: 2021-10-11. Review status: criteria provided, single submitter. Criteria: Sema4 Curation Guidelines. Collection method: curation. Allele origin: germline.
Comment: The RAD50 c.1115A>C (p.Q372P) variant has not been reported in the literature to our knowledge. It was not observed in the large and broad cohorts of the Genome Aggregation Database, nor has it been reported in ClinVar. Functional studies have not been performed, and in silico predictions of the variant's effect on protein function are inconclusive. The evidence is insufficient to meet ACMG/AMP criteria for classifying the variant as benign or pathogenic. Thus, the clinical significance of this variant is currently uncertain.

NM_005732.4(RAD50):c.1115A>C (p.Gln372Pro)

Gene: RAD50 (RAD50 double strand break repair protein; plus strand). Cytogenetic location: 5q31.1.
Variant type: single nucleotide variant.
Coding change: c.1115A>C on transcript NM_005732.4 (MANE Select); coding-DNA position 1115, A replaced by C.
Protein change: p.Gln372Pro; replaces glutamine 372 with proline.
Molecular consequence: missense variant.
Genome position (GRCh38, 1-based): chr5:132,588,750, A>C. VCF-style: chr5-132588750-A-C. GRCh37 (hg19) VCF-style: chr5-131924442-A-C.
Other names: short protein forms Q372P.
Identifiers: ClinVar variation 1692905 (VCV001692905.1), dbSNP rs375070140, ClinGen allele CA360942433.